The following is an entry in ClinVar:

NM_001903.5(CTNNA1):c.1214T>C (p.Ile405Thr)

Gene: CTNNA1 (catenin alpha 1; plus strand). Cytogenetic location: 5q31.2.
Variant type: single nucleotide variant.
Coding change: c.1214T>C on transcript NM_001903.5 (MANE Select); coding-DNA position 1214, T replaced by C.
Protein change: p.Ile405Thr; replaces isoleucine 405 with threonine.
Molecular consequence: missense variant. On other transcripts: 5 prime UTR variant (5), intron variant (2).
Genome position (GRCh38, 1-based): chr5:138,887,560, T>C. VCF-style: chr5-138887560-T-C. GRCh37 (hg19) VCF-style: chr5-138223249-T-C.
Other names: c.1214T>C, p.Ile405Thr (NM_001290307.3, NM_001323982.2, NM_001323983.1 and 3 more transcripts); c.905T>C, p.Ile302Thr (NM_001290309.3); c.845T>C, p.Ile282Thr (NM_001290310.3); c.104T>C, p.Ile35Thr (NM_001290312.1, NM_001323987.1, NM_001323988.1 and 18 more transcripts); c.-294T>C (NM_001324006.1, NM_001324007.1, NM_001324008.1 and 1 more transcripts); c.-169T>C (NM_001324013.1); c.-58+11963T>C (NM_001324012.1); c.-61+11963T>C (NM_001324010.1); short protein forms I302T, I282T, I35T, I405T.
Identifiers: ClinVar variation 1044111 (VCV001044111.12), dbSNP rs1194900939, ClinGen allele CA361133087.

ClinVar aggregate classification (germline): Uncertain significance. Review status: criteria provided, multiple submitters, no conflicts (2 of 4 stars). 2 submissions from 2 submitters: Uncertain significance (2). Last evaluated 2025-05-21.

Conditions:
Hereditary cancer-predisposing syndrome. Also called: Hereditary Cancer Syndrome; Tumor predisposition; Hereditary neoplastic syndrome; Neoplastic Syndromes, Hereditary. Identifiers: Orphanet 140162, MedGen C0027672, MeSH D009386, MONDO:0015356.

Allele frequency attached by ClinVar (database versions not stated): TOPMed below 0.00001; gnomAD 0.00001.

Submissions (2):

Ambry Genetics
Classification: Uncertain significance for Hereditary cancer-predisposing syndrome. Last evaluated: 2025-05-21. Review status: criteria provided, single submitter. Criteria: Ambry Variant Classification Scheme 2023. Collection method: clinical testing. Allele origin: germline.
Comment: The p.I405T variant (also known as c.1214T>C), located in coding exon 8 of the CTNNA1 gene, results from a T to C substitution at nucleotide position 1214. The isoleucine at codon 405 is replaced by threonine, an amino acid with similar properties. This amino acid position is conserved. In addition, the in silico prediction for this alteration is inconclusive. Since supporting evidence is limited at this time, the clinical significance of this alteration remains unclear.

Labcorp Genetics (formerly Invitae), Labcorp
Classification: Uncertain significance. Last evaluated: 2024-01-24. Review status: criteria provided, single submitter. Criteria: Invitae Variant Classification Sherloc (09022015). Collection method: clinical testing. Allele origin: germline.
Comment: This sequence change replaces isoleucine, which is neutral and non-polar, with threonine, which is neutral and polar, at codon 405 of the CTNNA1 protein (p.Ile405Thr). This variant is present in population databases (no rsID available, gnomAD 0.007%). This variant has not been reported in the literature in individuals affected with CTNNA1-related conditions. ClinVar contains an entry for this variant (Variation ID: 1044111). Advanced modeling of protein sequence and biophysical properties (such as structural, functional, and spatial information, amino acid conservation, physicochemical variation, residue mobility, and thermodynamic stability) performed at Invitae indicates that this missense variant is not expected to disrupt CTNNA1 protein function with a negative predictive value of 80%. In summary, the available evidence is currently insufficient to determine the role of this variant in disease. Therefore, it has been classified as a Variant of Uncertain Significance.